The following is an entry in ClinVar:

NM_025099.6(CTC1):c.455C>G (p.Ser152Cys)

Gene: CTC1 (CST telomere replication complex component 1; minus strand). Cytogenetic location: 17p13.1.
Variant type: single nucleotide variant.
Coding change: c.455C>G on transcript NM_025099.6 (MANE Select); coding-DNA position 455, C replaced by G.
Protein change: p.Ser152Cys; replaces serine 152 with cysteine.
Molecular consequence: missense variant. On other transcripts: non-coding transcript variant (1).
Genome position (GRCh38, 1-based): chr17:8,238,223, G>C on the plus strand (C>G on the coding strand, the complement: CTC1 is on the minus strand). VCF-style: chr17-8238223-G-C. GRCh37 (hg19) VCF-style: chr17-8141541-G-C.
Other names: short protein forms S152C.
Identifiers: ClinVar variation 948805 (VCV000948805.8), dbSNP rs1987914806, ClinGen allele CA397992902.

ClinVar aggregate classification (germline): Uncertain significance (1 of 4 stars; one submission).

Conditions:
Dyskeratosis congenita. Identifiers: Orphanet 1775, MedGen C0265965, MONDO:0015780.

Allele frequency attached by ClinVar (database versions not stated): gnomAD exomes 0.00001.
gnomAD v4.1: 3 of 1,609,610 alleles (0.00019%); highest among the groups gnomAD compares: Non-Finnish European, 0.00025%; no homozygotes.

Submission:

Labcorp Genetics (formerly Invitae), Labcorp
Classification: Uncertain significance for Dyskeratosis congenita. Last evaluated: 2022-01-18. Review status: criteria provided, single submitter. Criteria: Invitae Variant Classification Sherloc (09022015). Collection method: clinical testing. Allele origin: germline.
Comment: ClinVar contains an entry for this variant (Variation ID: 948805). This sequence change replaces serine, which is neutral and polar, with cysteine, which is neutral and slightly polar, at codon 152 of the CTC1 protein (p.Ser152Cys). This variant is not present in population databases (gnomAD no frequency). This variant has not been reported in the literature in individuals affected with CTC1-related conditions. Algorithms developed to predict the effect of missense changes on protein structure and function are either unavailable or do not agree on the potential impact of this missense change (SIFT: "Deleterious"; PolyPhen-2: "Probably Damaging"; Align-GVGD: "Class C0"). In summary, the available evidence is currently insufficient to determine the role of this variant in disease. Therefore, it has been classified as a Variant of Uncertain Significance.